The following is an entry in ClinVar:

NM_005585.5(SMAD6):c.323C>T (p.Ala108Val)

Gene: SMAD6 (SMAD family member 6; plus strand). Cytogenetic location: 15q22.31.
Variant type: single nucleotide variant.
Coding change: c.323C>T on transcript NM_005585.5 (MANE Select); coding-DNA position 323, C replaced by T.
Protein change: p.Ala108Val; replaces alanine 108 with valine.
Molecular consequence: missense variant. On other transcripts: non-coding transcript variant (1).
Genome position (GRCh38, 1-based): chr15:66,703,581, C>T. VCF-style: chr15-66703581-C-T. GRCh37 (hg19) VCF-style: chr15-66995919-C-T.
Other names: short protein forms A108V.
Identifiers: ClinVar variation 3664530 (VCV003664530.2).

ClinVar aggregate classification (germline): Uncertain significance (1 of 4 stars; one submission).

Conditions:
Aortic valve disease 2 (AOVD2). Identifiers: MedGen C3542024, MONDO:0013902, OMIM 614823.

gnomAD v4.1: 1 of 1,226,116 alleles (0.000082%); highest among the groups gnomAD compares: South Asian, 0.0041%; no homozygotes.

Submission:

Labcorp Genetics (formerly Invitae), Labcorp
Classification: Uncertain significance for Aortic valve disease 2. Last evaluated: 2024-05-04. Review status: criteria provided, single submitter. Criteria: Invitae Variant Classification Sherloc (09022015). Collection method: clinical testing. Allele origin: germline.
Comment: This sequence change replaces alanine, which is neutral and non-polar, with valine, which is neutral and non-polar, at codon 108 of the SMAD6 protein (p.Ala108Val). This variant is not present in population databases (gnomAD no frequency). This variant has not been reported in the literature in individuals affected with SMAD6-related conditions. Algorithms developed to predict the effect of missense changes on protein structure and function output the following: SIFT: "Not Available"; PolyPhen-2: "Benign"; Align-GVGD: "Not Available". The valine amino acid residue is found in multiple mammalian species, which suggests that this missense change does not adversely affect protein function. In summary, the available evidence is currently insufficient to determine the role of this variant in disease. Therefore, it has been classified as a Variant of Uncertain Significance.